The following is an entry in ClinVar:

NM_001164277.2(SLC37A4):c.468A>G (p.Ala156=)

Gene: SLC37A4 (solute carrier family 37 member 4; minus strand). Cytogenetic location: 11q23.3.
Variant type: single nucleotide variant.
Coding change: c.468A>G on transcript NM_001164277.2 (MANE Select); coding-DNA position 468, A replaced by G.
Protein change: p.Ala156=; no amino-acid change (alanine 156 retained).
Molecular consequence: synonymous variant.
Genome position (GRCh38, 1-based): chr11:119,027,786, T>C on the plus strand (A>G on the coding strand, the complement: SLC37A4 is on the minus strand). VCF-style: chr11-119027786-T-C. GRCh37 (hg19) VCF-style: chr11-118898496-T-C.
Other names: c.468A>G, p.Ala156= (NM_001164278.2, NM_001164280.2, NM_001467.6); c.249A>G, p.Ala83= (NM_001164279.2).
Identifiers: ClinVar variation 552364 (VCV000552364.11), dbSNP rs1395094300, ClinGen allele CA477367820.

ClinVar aggregate classification (germline): Likely benign. Review status: criteria provided, single submitter (1 of 4 stars). 3 submissions from 3 submitters: Likely benign (1). 2 of the submissions do not count toward it. Last evaluated 2024-07-31.

Conditions:
SLC37A4-related disorder. Also called: SLC37A4-related condition.
Glucose-6-phosphate transport defect (GSD1B). Also called: Glycogen Storage Disease Type Ib; GSD Ib. Identifiers: Orphanet 364, Orphanet 79259, MedGen C0268146, MONDO:0009288, OMIM 232220.

Allele frequency attached by ClinVar (database versions not stated): gnomAD exomes below 0.00001.

Submissions (3):

Labcorp Genetics (formerly Invitae), Labcorp
Classification: Likely benign for Glucose-6-phosphate transport defect. Last evaluated: 2024-07-31. Review status: criteria provided, single submitter. Criteria: Invitae Variant Classification Sherloc (09022015). Collection method: clinical testing. Allele origin: germline.

PreventionGenetics, part of Exact Sciences
Classification: Likely benign for SLC37A4-related condition. Last evaluated: 2020-07-29. Review status: no assertion criteria provided. Collection method: clinical testing. Allele origin: germline. Not counted in ClinVar's aggregate classification.
Comment: This variant is classified as likely benign based on ACMG/AMP sequence variant interpretation guidelines (Richards et al. 2015 PMID: 25741868, with internal and published modifications).

Counsyl
Classification: Likely benign for Glucose-6-phosphate transport defect. Last evaluated: 2017-06-21. Review status: no assertion criteria provided. Collection method: clinical testing. Allele origin: unknown. Not counted in ClinVar's aggregate classification.